The following is an entry in ClinVar:

NM_001005242.3(PKP2):c.1027C>T (p.Gln343Ter)

Gene: PKP2 (plakophilin 2; minus strand). Cytogenetic location: 12p11.21.
Variant type: single nucleotide variant.
Coding change: c.1027C>T on transcript NM_001005242.3 (MANE Select); coding-DNA position 1027, C replaced by T.
Protein change: p.Gln343Ter; replaces glutamine 343 with a stop codon.
Molecular consequence: nonsense.
Genome position (GRCh38, 1-based): chr12:32,877,853, G>A on the plus strand (C>T on the coding strand, the complement: PKP2 is on the minus strand). VCF-style: chr12-32877853-G-A. GRCh37 (hg19) VCF-style: chr12-33030787-G-A.
Other names: c.1027C>T, p.Gln343Ter (NM_001407155.1, NM_001407156.1, NM_001407157.1 and 2 more transcripts); c.700C>T, p.Gln234Ter (NM_001407158.1, NM_001407159.1, NM_001407160.1 and 1 more transcripts); short protein forms Q234*, Q343*.
Identifiers: ClinVar variation 4883314 (VCV004883314.2).

ClinVar aggregate classification (germline): Likely pathogenic (1 of 4 stars; one submission).

Submission:

Dasa
Classification: Likely pathogenic. Last evaluated: 2026-01-07. Review status: criteria provided, single submitter. Criteria: DASA Assertion Criteria. Collection method: clinical testing. Allele origin: germline.
Comment: NM_001005242.3(PKP2):c.1027C>T (p.Gln343*) is a nonsense variant in PKP2 predicted to introduce a premature termination codon and is predicted to result in an absent or altered protein product. Loss of function is an established disease mechanism for PKP2 (PMID: 15489853; PMID: 24704780; PMID: 29038103). Also, this variant is rare in population databases. Based on the currently available evidence, this variant is classified as likely pathogenic.

Literature cited by the submitters: PubMed 15489853; PubMed 24704780; PubMed 29038103.